The following is an entry in ClinVar:

ClinVar aggregate classification (germline): Pathogenic (1 of 4 stars; one submission).

Submission:

Labcorp Genetics (formerly Invitae), Labcorp
Classification: Pathogenic. Last evaluated: 2024-10-23. Review status: criteria provided, single submitter. Criteria: Invitae Variant Classification Sherloc (09022015). Collection method: clinical testing. Allele origin: germline.
Comment: This sequence change creates a premature translational stop signal (p.Arg975Profs*5) in the ATP2B2 gene. It is expected to result in an absent or disrupted protein product. Loss-of-function variants in ATP2B2 are known to be pathogenic (PMID: 30535804). This variant is not present in population databases (gnomAD no frequency). This variant has not been reported in the literature in individuals affected with ATP2B2-related conditions. ClinVar contains an entry for this variant (Variation ID: 1360768). For these reasons, this variant has been classified as Pathogenic.

Literature cited by the submitters: PubMed 30535804.

NM_001001331.4(ATP2B2):c.3058dup (p.Arg1020fs)

Gene: ATP2B2 (ATPase plasma membrane Ca2+ transporting 2; minus strand). Cytogenetic location: 3p25.3.
Variant type: Duplication.
Coding change: c.3058dup on transcript NM_001001331.4 (MANE Select); coding-DNA position 3058, one base duplicated (C; older notation c.3058dupC).
Protein change: p.Arg1020fs; shifts the reading frame from arginine 1020.
Molecular consequence: frameshift variant.
Genome position (GRCh38, 1-based): chr3:10,340,564, G duplicated on the plus strand (C on the coding strand, the reverse complement: ATP2B2 is on the minus strand). VCF-style (leftmost placement, unchanged base first): chr3-10340563-C-CG. GRCh37 (hg19) VCF-style: chr3-10382247-C-CG.
Other names: c.2923dup, p.Arg975fs (NM_001330611.3, NM_001353564.1, NM_001363862.1 and 1 more transcripts); short protein forms R1020fs, R975fs.
Identifiers: ClinVar variation 1360768 (VCV001360768.6), dbSNP rs2125368879, ClinGen allele CA2573136157.